The following is an entry in ClinVar:

NM_000236.3(LIPC):c.78C>G (p.Ser26Arg)

Gene: LIPC (lipase C, hepatic type; plus strand). Cytogenetic location: 15q21.3.
Variant type: single nucleotide variant.
Coding change: c.78C>G on transcript NM_000236.3 (MANE Select); coding-DNA position 78, C replaced by G.
Protein change: p.Ser26Arg; replaces serine 26 with arginine.
Molecular consequence: missense variant.
Genome position (GRCh38, 1-based): chr15:58,432,110, C>G. VCF-style: chr15-58432110-C-G. GRCh37 (hg19) VCF-style: chr15-58724309-C-G.
Other names: short protein forms S26R.
Identifiers: ClinVar variation 2959662 (VCV002959662.3), dbSNP rs780267766, ClinGen allele CA7584678.
Genomic context (GRCh38, chr15:58,432,110, plus strand): 5'-GTGTTTCTCCATTCTGTTGGTTTTATGCATCTTTATCCAATCAAGTGCCCTTGGACAAAG[C>G]CTGAAACCAGGTAAGAGCCTGACTTTTCTCCAGAGATGGGCATGAACTTTTCTTTTTAAA-3'
Protein context (NP_000227.2, residues 16-36): IFIQSSALGQ[Ser26Arg]LKPEPFGRRA

ClinVar aggregate classification (germline): Uncertain significance (1 of 4 stars; one submission).

gnomAD v4.1: 15 of 1,612,044 alleles (0.00093%); highest among the groups gnomAD compares: East Asian, 0.0067%; no homozygotes.

Submission:

Labcorp Genetics (formerly Invitae), Labcorp
Classification: Uncertain significance. Last evaluated: 2023-07-14. Review status: criteria provided, single submitter. Criteria: Invitae Variant Classification Sherloc (09022015). Collection method: clinical testing. Allele origin: germline.
Comment: In summary, the available evidence is currently insufficient to determine the role of this variant in disease. Therefore, it has been classified as a Variant of Uncertain Significance. An algorithm developed to predict the effect of missense changes on protein structure and function (PolyPhen-2) suggests that this variant is likely to be tolerated. This variant has not been reported in the literature in individuals affected with LIPC-related conditions. This variant is present in population databases (rs780267766, gnomAD 0.007%). This sequence change replaces serine, which is neutral and polar, with arginine, which is basic and polar, at codon 26 of the LIPC protein (p.Ser26Arg).